The following is an entry in ClinVar:

NM_006947.4(SRP72):c.1202A>C (p.Glu401Ala)

Gene: SRP72 (signal recognition particle 72; plus strand). Cytogenetic location: 4q12.
Variant type: single nucleotide variant.
Coding change: c.1202A>C on transcript NM_006947.4 (MANE Select); coding-DNA position 1202, A replaced by C.
Protein change: p.Glu401Ala; replaces glutamic acid 401 with alanine.
Molecular consequence: missense variant. On other transcripts: non-coding transcript variant (1).
Genome position (GRCh38, 1-based): chr4:56,487,991, A>C. VCF-style: chr4-56487991-A-C. GRCh37 (hg19) VCF-style: chr4-57354157-A-C.
Other names: c.1202A>C (NM_006947.3); c.1019A>C, p.Glu340Ala (NM_001267722.2); short protein forms E340A, E401A.
Identifiers: ClinVar variation 4776179 (VCV004776179.3).
Genomic context (GRCh38, chr4:56,487,991, plus strand): 5'-TTTGTTTATTCTCCTAAGGTAATATTTCTAAAGCATGTCTAATATTGAGAAGCATAGAGG[A>C]GTTAAAGCATAAACCAGGCATGGTGAGTTTTAAAAATTACAAAATTGAAAAGTAGTTGAA-3'
Protein context (NP_008878.3, residues 391-411): KACLILRSIE[Glu401Ala]LKHKPGMVSA

ClinVar aggregate classification (germline): Uncertain significance. Review status: criteria provided, multiple submitters, no conflicts (2 of 4 stars). 3 submissions from 3 submitters: Uncertain significance (3). Last evaluated 2026-02-17.

gnomAD v4.1: 2 of 1,599,368 alleles (0.00013%); highest among the groups gnomAD compares: Non-Finnish European, 0.00017%; no homozygotes.

Submissions (3):

Ambry Genetics
Classification: Uncertain significance. Last evaluated: 2026-02-17. Review status: criteria provided, single submitter. Criteria: Ambry Variant Classification Scheme 2023. Collection method: clinical testing. Allele origin: germline.
Comment: The p.E401A variant (also known as c.1202A>C), located in coding exon 12 of the SRP72 gene, results from an A to C substitution at nucleotide position 1202. The glutamic acid at codon 401 is replaced by alanine, an amino acid with dissimilar properties. This amino acid position is conserved. In addition, this alteration is predicted to be tolerated by in silico analysis. Based on the available evidence, the clinical significance of this variant remains unclear.

Labcorp Genetics (formerly Invitae), Labcorp
Classification: Uncertain significance. Last evaluated: 2025-10-11. Review status: criteria provided, single submitter. Criteria: Invitae Variant Classification Sherloc (09022015). Collection method: clinical testing. Allele origin: germline.
Comment: This sequence change replaces glutamic acid, which is acidic and polar, with alanine, which is neutral and non-polar, at codon 401 of the SRP72 protein (p.Glu401Ala). This variant is present in population databases (no rsID available, gnomAD no frequency). This variant has not been reported in the literature in individuals affected with SRP72-related conditions. Invitae Evidence Modeling of protein sequence and biophysical properties (such as structural, functional, and spatial information, amino acid conservation, physicochemical variation, residue mobility, and thermodynamic stability) indicates that this missense variant is not expected to disrupt SRP72 protein function with a negative predictive value of 80%. In summary, the available evidence is currently insufficient to determine the role of this variant in disease. Therefore, it has been classified as a Variant of Uncertain Significance.

Blueprint Genetics
Classification: Uncertain significance. Last evaluated: 2024-10-03. Review status: criteria provided, single submitter. Criteria: ACMG Guidelines, 2015. Collection method: clinical testing. Allele origin: germline.